The following is an entry in ClinVar:

ClinVar aggregate classification (germline): Uncertain significance (1 of 4 stars; one submission).

Conditions:
Developmental and epileptic encephalopathy, 23 (DEE23). Also called: Epileptic encephalopathy, early infantile, 23. Identifiers: Orphanet 411986, MedGen C4014492, MONDO:0014371, OMIM 615859.

Allele frequency attached by ClinVar (database versions not stated): gnomAD exomes below 0.00001; TOPMed below 0.00001.
gnomAD v4.1: 6 of 1,608,614 alleles (0.00037%); highest among the groups gnomAD compares: Non-Finnish European, 0.00051%; no homozygotes.

Submission:

Labcorp Genetics (formerly Invitae), Labcorp
Classification: Uncertain significance for Developmental and epileptic encephalopathy, 23. Last evaluated: 2022-05-06. Review status: criteria provided, single submitter. Criteria: Invitae Variant Classification Sherloc (09022015). Collection method: clinical testing. Allele origin: germline.
Comment: This variant is not present in population databases (gnomAD no frequency). This sequence change replaces tyrosine, which is neutral and polar, with cysteine, which is neutral and slightly polar, at codon 1831 of the DOCK7 protein (p.Tyr1831Cys). This variant has not been reported in the literature in individuals affected with DOCK7-related conditions. Algorithms developed to predict the effect of missense changes on protein structure and function (SIFT, PolyPhen-2, Align-GVGD) all suggest that this variant is likely to be disruptive. In summary, the available evidence is currently insufficient to determine the role of this variant in disease. Therefore, it has been classified as a Variant of Uncertain Significance.

NM_001367561.1(DOCK7):c.5525A>G (p.Tyr1842Cys)

Gene: DOCK7 (dedicator of cytokinesis 7; minus strand). Cytogenetic location: 1p31.3.
Variant type: single nucleotide variant.
Coding change: c.5525A>G on transcript NM_001367561.1 (MANE Select); coding-DNA position 5525, A replaced by G.
Protein change: p.Tyr1842Cys; replaces tyrosine 1842 with cysteine.
Molecular consequence: missense variant.
Genome position (GRCh38, 1-based): chr1:62,477,809, T>C on the plus strand (A>G on the coding strand, the complement: DOCK7 is on the minus strand). VCF-style: chr1-62477809-T-C. GRCh37 (hg19) VCF-style: chr1-62943480-T-C.
Other names: c.5492A>G, p.Tyr1831Cys (NM_001271999.2); c.5405A>G, p.Tyr1802Cys (NM_001272000.2); c.5399A>G, p.Tyr1800Cys (NM_001272001.2); c.5498A>G, p.Tyr1833Cys (NM_001330614.2); c.5432A>G, p.Tyr1811Cys (NM_033407.4); short protein forms Y1831C, Y1802C, Y1842C, Y1833C, Y1800C, Y1811C.
Identifiers: ClinVar variation 1421363 (VCV001421363.7), dbSNP rs1294533503, ClinGen allele CA340605445.